The following is an entry in ClinVar:

NM_001145715.3(KPNA7):c.1420A>G (p.Ile474Val)

Gene: KPNA7 (karyopherin subunit alpha 7; minus strand). Cytogenetic location: 7q22.1.
Variant type: single nucleotide variant.
Coding change: c.1420A>G on transcript NM_001145715.3 (MANE Select); coding-DNA position 1420, A replaced by G.
Protein change: p.Ile474Val; replaces isoleucine 474 with valine.
Molecular consequence: missense variant.
Genome position (GRCh38, 1-based): chr7:99,177,964, T>C on the plus strand (A>G on the coding strand, the complement: KPNA7 is on the minus strand). VCF-style: chr7-99177964-T-C. GRCh37 (hg19) VCF-style: chr7-98775587-T-C.
Other names: short protein forms I474V.
Identifiers: ClinVar variation 1390804 (VCV001390804.5), dbSNP rs1422947526, ClinGen allele CA368417111.

ClinVar aggregate classification (germline): Uncertain significance (1 of 4 stars; one submission).

Allele frequency attached by ClinVar (database versions not stated): gnomAD exomes below 0.00001 and 0.00001; gnomAD 0.00001; TOPMed 0.00002.
gnomAD v4.1: 4 of 1,551,908 alleles (0.00026%); highest among the groups gnomAD compares: Admixed American, 0.0059%; no homozygotes.

Submission:

Labcorp Genetics (formerly Invitae), Labcorp
Classification: Uncertain significance. Last evaluated: 2022-03-19. Review status: criteria provided, single submitter. Criteria: Invitae Variant Classification Sherloc (09022015). Collection method: clinical testing. Allele origin: germline.
Comment: This sequence change replaces isoleucine, which is neutral and non-polar, with valine, which is neutral and non-polar, at codon 474 of the KPNA7 protein (p.Ile474Val). This variant is present in population databases (no rsID available, gnomAD 0.004%). This variant has not been reported in the literature in individuals affected with KPNA7-related conditions. Algorithms developed to predict the effect of missense changes on protein structure and function output the following: SIFT: "Tolerated"; PolyPhen-2: "Benign"; Align-GVGD: "Class C0". The valine amino acid residue is found in multiple mammalian species, which suggests that this missense change does not adversely affect protein function. In summary, the available evidence is currently insufficient to determine the role of this variant in disease. Therefore, it has been classified as a Variant of Uncertain Significance.